The following is an entry in ClinVar:

ClinVar aggregate classification (germline): Conflicting classifications of pathogenicity. Review status: criteria provided, conflicting classifications (1 of 4 stars). 7 submissions from 7 submitters: Uncertain significance (1); Benign (3); Likely benign (2). 1 of the submissions does not count toward it. Last evaluated 2026-02-01.

Conditions:
TNFRSF13C-related disorder. Also called: TNFRSF13C-related condition.
Immunodeficiency, common variable, 4. Also called: ANTIBODY DEFICIENCY DUE TO BAFFR DEFECT. Identifiers: Orphanet 1572, Orphanet 696925, MedGen C3150739, MONDO:0013284, OMIM 613494.

Allele frequency attached by ClinVar (database versions not stated): 1000 Genomes Project 0.00020; 1000 Genomes Project 30x 0.00156; ESP Exome Variant Server 0.00180; ExAC 0.00211; gnomAD 0.00260; gnomAD exomes 0.00377; TOPMed 0.00388.
gnomAD v4.1: 8,446 of 1,449,040 alleles (0.58%); highest among the groups gnomAD compares: Non-Finnish European, 0.72%; 40 homozygotes.

Submissions (7):

Labcorp Genetics (formerly Invitae), Labcorp
Classification: Benign for Immunodeficiency, common variable, 4. Last evaluated: 2026-02-01. Review status: criteria provided, single submitter. Criteria: Invitae Variant Classification Sherloc (09022015). Collection method: clinical testing. Allele origin: germline.

Women's Health and Genetics/Laboratory Corporation of America, LabCorp
Classification: Benign. Last evaluated: 2026-01-23. Review status: criteria provided, single submitter. Criteria: LabCorp Variant Classification Summary - May 2015. Collection method: clinical testing. Allele origin: germline.

CeGaT Center for Human Genetics Tuebingen
Classification: Likely benign. Last evaluated: 2025-11-01. Review status: criteria provided, single submitter. Criteria: CeGaT Center For Human Genetics Tuebingen Variant Classification Criteria Version 2. Collection method: clinical testing. Allele origin: germline. Affected: yes. Observed: 14 variant alleles.
Comment: TNFRSF13C: BP4, BP7, BS2

Blueprint Genetics
Classification: Likely benign. Last evaluated: 2024-11-28. Review status: criteria provided, single submitter. Criteria: ACMG Guidelines, 2015. Collection method: clinical testing. Allele origin: germline.

ARUP Laboratories, Molecular Genetics and Genomics, ARUP Laboratories
Classification: Benign for Immunodeficiency, common variable, 4. Last evaluated: 2021-08-20. Review status: criteria provided, single submitter. Criteria: ARUP Molecular Germline Variant Investigation Process 2021. Collection method: clinical testing. Allele origin: germline.

Illumina Laboratory Services, Illumina
Classification: Uncertain significance for Immunodeficiency, common variable, 4. Last evaluated: 2018-01-13. Review status: criteria provided, single submitter. Criteria: ICSL Variant Classification Criteria 13 December 2019. Collection method: clinical testing. Allele origin: germline.

PreventionGenetics, part of Exact Sciences
Classification: Likely benign for TNFRSF13C-related condition. Last evaluated: 2020-02-14. Review status: no assertion criteria provided. Collection method: clinical testing. Allele origin: germline. Not counted in ClinVar's aggregate classification.
Comment: This variant is classified as likely benign based on ACMG/AMP sequence variant interpretation guidelines (Richards et al. 2015 PMID: 25741868, with internal and published modifications).

NM_052945.4(TNFRSF13C):c.60C>T (p.Val20=)

Genes: TNFRSF13C (TNF receptor superfamily member 13C; minus strand), LOC130067574 (ATAC-STARR-seq lymphoblastoid silent region 13813; plus strand). Cytogenetic location: 22q13.2.
Variant type: single nucleotide variant.
Coding change: c.60C>T on transcript NM_052945.4 (MANE Select); coding-DNA position 60, C replaced by T.
Protein change: p.Val20=; no amino-acid change (valine 20 retained).
Molecular consequence: synonymous variant.
Genome position (GRCh38, 1-based): chr22:41,926,714, G>A on the plus strand (C>T on the coding strand, the complement: TNFRSF13C is on the minus strand). VCF-style: chr22-41926714-G-A. GRCh37 (hg19) VCF-style: chr22-42322718-G-A.
Identifiers: ClinVar variation 440344 (VCV000440344.50), dbSNP rs373828157, ClinGen allele CA10262525.